The following is an entry in ClinVar:

ClinVar aggregate classification (germline): Uncertain significance (1 of 4 stars; one submission).

Submission:

Ambry Genetics
Classification: Uncertain significance. Last evaluated: 2022-08-23. Review status: criteria provided, single submitter. Criteria: Ambry Variant Classification Scheme 2023. Collection method: clinical testing. Allele origin: germline.
Comment: The p.Q468R variant (also known as c.1403A>G), located in coding exon 8 of the GALNT12 gene, results from an A to G substitution at nucleotide position 1403. The glutamine at codon 468 is replaced by arginine, an amino acid with highly similar properties. This amino acid position is conserved. In addition, this alteration is predicted to be tolerated by in silico analysis. Since supporting evidence is limited at this time, the clinical significance of this alteration remains unclear.

NM_024642.5(GALNT12):c.1403A>G (p.Gln468Arg)

Gene: GALNT12 (polypeptide N-acetylgalactosaminyltransferase 12; plus strand). Cytogenetic location: 9q22.33.
Variant type: single nucleotide variant.
Coding change: c.1403A>G on transcript NM_024642.5 (MANE Select); coding-DNA position 1403, A replaced by G.
Protein change: p.Gln468Arg; replaces glutamine 468 with arginine.
Molecular consequence: missense variant.
Genome position (GRCh38, 1-based): chr9:98,844,154, A>G. VCF-style: chr9-98844154-A-G. GRCh37 (hg19) VCF-style: chr9-101606436-A-G.
Other names: short protein forms Q468R.
Identifiers: ClinVar variation 1771853 (VCV001771853.2), dbSNP rs2490552471, ClinGen allele CA374221445.